The following is an entry in ClinVar:

ClinVar aggregate classification (germline): Uncertain significance. Review status: criteria provided, multiple submitters, no conflicts (2 of 4 stars). 2 submissions from 2 submitters: Uncertain significance (2). Last evaluated 2025-06-07.

Conditions:
Hypertrophic cardiomyopathy. Also called: HYPERTROPHIC MYOCARDIOPATHY. Identifiers: Orphanet 217569, MedGen C0007194, MeSH D002312, MONDO:0005045, HP:0001639.

Submissions (2):

Ambry Genetics
Classification: Uncertain significance. Last evaluated: 2025-06-07. Review status: criteria provided, single submitter. Criteria: Ambry Variant Classification Scheme 2023. Collection method: clinical testing. Allele origin: germline.

Labcorp Genetics (formerly Invitae), Labcorp
Classification: Uncertain significance for Hypertrophic cardiomyopathy. Last evaluated: 2022-03-23. Review status: criteria provided, single submitter. Criteria: Invitae Variant Classification Sherloc (09022015). Collection method: clinical testing. Allele origin: germline.
Comment: In summary, the available evidence is currently insufficient to determine the role of this variant in disease. Therefore, it has been classified as a Variant of Uncertain Significance. Algorithms developed to predict the effect of missense changes on protein structure and function are either unavailable or do not agree on the potential impact of this missense change (SIFT: "Deleterious"; PolyPhen-2: "Possibly Damaging"; Align-GVGD: "Class C0"). ClinVar contains an entry for this variant (Variation ID: 1036329). This variant has not been reported in the literature in individuals affected with MYOM1-related conditions. This variant is not present in population databases (gnomAD no frequency). This sequence change replaces glutamine, which is neutral and polar, with histidine, which is basic and polar, at codon 213 of the MYOM1 protein (p.Gln213His).

NM_003803.4(MYOM1):c.639G>C (p.Gln213His)

Gene: MYOM1 (myomesin 1; minus strand). Cytogenetic location: 18p11.31.
Variant type: single nucleotide variant.
Coding change: c.639G>C on transcript NM_003803.4 (MANE Select); coding-DNA position 639, G replaced by C.
Protein change: p.Gln213His; replaces glutamine 213 with histidine.
Molecular consequence: missense variant.
Genome position (GRCh38, 1-based): chr18:3,188,880, C>G on the plus strand (G>C on the coding strand, the complement: MYOM1 is on the minus strand). VCF-style: chr18-3188880-C-G. GRCh37 (hg19) VCF-style: chr18-3188878-C-G.
Other names: c.639G>C, p.Gln213His (NM_019856.2); c.639G>C (NM_003803.3); short protein forms Q213H.
Identifiers: ClinVar variation 1036329 (VCV001036329.9), dbSNP rs2080862895, ClinGen allele CA401716683.